The following is an entry in ClinVar:

NM_206933.4(USH2A):c.14405C>T (p.Ser4802Phe)

Gene: USH2A (usherin; minus strand). Cytogenetic location: 1q41.
Variant type: single nucleotide variant.
Coding change: c.14405C>T on transcript NM_206933.4 (MANE Select); coding-DNA position 14405, C replaced by T.
Protein change: p.Ser4802Phe; replaces serine 4802 with phenylalanine.
Molecular consequence: missense variant.
Genome position (GRCh38, 1-based): chr1:215,648,705, G>A on the plus strand (C>T on the coding strand, the complement: USH2A is on the minus strand). VCF-style: chr1-215648705-G-A. GRCh37 (hg19) VCF-style: chr1-215822047-G-A.
Other names: short protein forms S4802F.
Identifiers: ClinVar variation 1197374 (VCV001197374.7), dbSNP rs775307880, ClinGen allele CA1393024.
Genomic context (GRCh38, chr1:215,648,705, plus strand): 5'-AGTTCAGCTGTCGGTCCTTTGCTGCAACAGTTGAAGCAGGTGCAGGCCTCTACTCCAATA[G>A]AGTAGTTAGTGAAGGCTTGAAGGCCATGGAGAGTCTGCTGGGTGGCCATGCCTTCGGATA-3'
Protein context (NP_996816.3, residues 4792-4812): LHGLQAFTNY[Ser4802Phe]IGVEACTCFN

ClinVar aggregate classification (germline): Uncertain significance. Review status: criteria provided, multiple submitters, no conflicts (2 of 4 stars). 6 submissions from 5 submitters: Uncertain significance (5). 1 of the submissions does not count toward it. Last evaluated 2023-11-04.

Conditions:
Retinitis pigmentosa 39 (RP39). Identifiers: Orphanet 791, MedGen C3151138, MONDO:0013436, OMIM 613809.
Usher syndrome type 2A. Also called: RETINAL DISEASE IN USHER SYNDROME TYPE IIA, MODIFIER OF; USHER SYNDROME, TYPE IIA. Identifiers: Orphanet 231178, Orphanet 886, MedGen C1848634, MONDO:0010169, OMIM 276901.

Allele frequency attached by ClinVar (database versions not stated): ExAC 0.00001; gnomAD exomes 0.00001.
gnomAD v4.1: 15 of 1,614,194 alleles (0.00093%); highest among the groups gnomAD compares: African/African-American, 0.0013%; no homozygotes.

Submissions (6):

Genome-Nilou Lab
Classification: Uncertain significance for Retinitis pigmentosa 39. Last evaluated: 2023-11-04. Review status: criteria provided, single submitter. Criteria: ACMG Guidelines, 2015. Collection method: clinical testing. Allele origin: germline. Affected: no.

Genome-Nilou Lab
Classification: Uncertain significance for Usher syndrome type 2A. Last evaluated: 2023-11-04. Review status: criteria provided, single submitter. Criteria: ACMG Guidelines, 2015. Collection method: clinical testing. Allele origin: germline. Affected: no.

Blueprint Genetics
Classification: Uncertain significance. Last evaluated: 2022-09-02. Review status: criteria provided, single submitter. Criteria: ACMG Guidelines, 2015. Collection method: clinical testing. Allele origin: germline.

Labcorp Genetics (formerly Invitae), Labcorp
Classification: Uncertain significance. Last evaluated: 2022-07-12. Review status: criteria provided, single submitter. Criteria: Invitae Variant Classification Sherloc (09022015). Collection method: clinical testing. Allele origin: germline.
Comment: This sequence change replaces serine, which is neutral and polar, with phenylalanine, which is neutral and non-polar, at codon 4802 of the USH2A protein (p.Ser4802Phe). This variant is present in population databases (rs775307880, gnomAD 0.0009%). This variant has not been reported in the literature in individuals affected with USH2A-related conditions. ClinVar contains an entry for this variant (Variation ID: 1197374). Algorithms developed to predict the effect of missense changes on protein structure and function are either unavailable or do not agree on the potential impact of this missense change (SIFT: "Deleterious"; PolyPhen-2: "Possibly Damaging"; Align-GVGD: "Class C0"). In summary, the available evidence is currently insufficient to determine the role of this variant in disease. Therefore, it has been classified as a Variant of Uncertain Significance.

GeneDx
Classification: Uncertain significance. Last evaluated: 2019-11-18. Review status: criteria provided, single submitter. Criteria: GeneDx Variant Classification Process June 2021. Collection method: clinical testing. Allele origin: germline. Affected: yes.
Comment: Not observed at a significant frequency in large population cohorts (Lek et al., 2016); In silico analysis, which includes protein predictors and evolutionary conservation, supports a deleterious effect; Has not been previously published as pathogenic or benign to our knowledge; This variant is associated with the following publications: (PMID: 32707200)

Natera, Inc.
Classification: Uncertain significance for Usher syndrome type 2A. Last evaluated: 2020-02-13. Review status: no assertion criteria provided. Collection method: clinical testing. Allele origin: germline. Not counted in ClinVar's aggregate classification.